The following is an entry in ClinVar:

ClinVar aggregate classification (germline): Likely benign. Review status: criteria provided, multiple submitters, no conflicts (2 of 4 stars). 5 submissions from 5 submitters: Likely benign (4). 1 of the submissions does not count toward it. Last evaluated 2026-06-11.

Conditions:
Rubinstein-Taybi syndrome (RSTS). Identifiers: Orphanet 783, MedGen C0035934, MONDO:0019188.
CREBBP-related disorder. Also called: CREBBP-related condition; CREBBP-related disorders.

gnomAD v4.1: 4 of 1,613,832 alleles (0.00025%); highest among the groups gnomAD compares: Admixed American, 0.0067%; no homozygotes.

Submissions (5):

Women's Health and Genetics/Laboratory Corporation of America, LabCorp
Classification: Likely benign. Last evaluated: 2026-06-11. Review status: criteria provided, single submitter. Criteria: LabCorp Variant Classification Summary - May 2015. Collection method: clinical testing. Allele origin: germline.

CeGaT Center for Human Genetics Tuebingen
Classification: Likely benign. Last evaluated: 2026-06-01. Review status: criteria provided, single submitter. Criteria: CeGaT Center For Human Genetics Tuebingen Variant Classification Criteria Version 2. Collection method: clinical testing. Allele origin: germline. Affected: yes. Observed: 1 variant allele.
Comment: CREBBP: BP4, BP7

Labcorp Genetics (formerly Invitae), Labcorp
Classification: Likely benign for Rubinstein-Taybi syndrome. Last evaluated: 2025-02-06. Review status: criteria provided, single submitter. Criteria: Invitae Variant Classification Sherloc (09022015). Collection method: clinical testing. Allele origin: germline.

Blueprint Genetics
Classification: Likely benign. Last evaluated: 2023-12-04. Review status: criteria provided, single submitter. Criteria: ACMG Guidelines, 2015. Collection method: clinical testing. Allele origin: germline.

PreventionGenetics, part of Exact Sciences
Classification: Likely benign for CREBBP-related condition. Last evaluated: 2022-03-16. Review status: no assertion criteria provided. Collection method: clinical testing. Allele origin: germline. Not counted in ClinVar's aggregate classification.
Comment: This variant is classified as likely benign based on ACMG/AMP sequence variant interpretation guidelines (Richards et al. 2015 PMID: 25741868, with internal and published modifications).

NM_004380.3(CREBBP):c.5010C>G (p.Leu1670=)

Gene: CREBBP (CREB binding lysine acetyltransferase; minus strand). Cytogenetic location: 16p13.3.
Variant type: single nucleotide variant.
Coding change: c.5010C>G on transcript NM_004380.3 (MANE Select); coding-DNA position 5010, C replaced by G.
Protein change: p.Leu1670=; no amino-acid change (leucine 1670 retained).
Molecular consequence: synonymous variant.
Genome position (GRCh38, 1-based): chr16:3,731,354, G>C on the plus strand (C>G on the coding strand, the complement: CREBBP is on the minus strand). VCF-style: chr16-3731354-G-C. GRCh37 (hg19) VCF-style: chr16-3781355-G-C.
Other names: c.5010C>G (NM_004380.2); c.4896C>G, p.Leu1632= (NM_001079846.1).
Identifiers: ClinVar variation 2848204 (VCV002848204.8), dbSNP rs62037853, ClinGen allele CA493394566.